The following is an entry in ClinVar:

NM_017617.5(NOTCH1):c.5678G>T (p.Gly1893Val)

Gene: NOTCH1 (notch receptor 1; minus strand). Cytogenetic location: 9q34.3.
Variant type: single nucleotide variant.
Coding change: c.5678G>T on transcript NM_017617.5 (MANE Select); coding-DNA position 5678, G replaced by T.
Protein change: p.Gly1893Val; replaces glycine 1893 with valine.
Molecular consequence: missense variant.
Genome position (GRCh38, 1-based): chr9:136,500,808, C>A on the plus strand (G>T on the coding strand, the complement: NOTCH1 is on the minus strand). VCF-style: chr9-136500808-C-A. GRCh37 (hg19) VCF-style: chr9-139395260-C-A.
Other names: short protein forms G1893V.
Identifiers: ClinVar variation 1464086 (VCV001464086.8), dbSNP rs1292487339, ClinGen allele CA375637717.

ClinVar aggregate classification (germline): Uncertain significance (1 of 4 stars; one submission).

Conditions:
Adams-Oliver syndrome 5 (AOS5). Identifiers: Orphanet 974, MedGen C4014970, MONDO:0014459, OMIM 616028.

gnomAD v4.1: 1 of 1,599,284 alleles (0.000063%); highest among the groups gnomAD compares: African/African-American, 0.0013%; no homozygotes.

Submission:

Labcorp Genetics (formerly Invitae), Labcorp
Classification: Uncertain significance for Adams-Oliver syndrome 5. Last evaluated: 2021-02-22. Review status: criteria provided, single submitter. Criteria: Invitae Variant Classification Sherloc (09022015). Collection method: clinical testing. Allele origin: germline.
Comment: In summary, the available evidence is currently insufficient to determine the role of this variant in disease. Therefore, it has been classified as a Variant of Uncertain Significance. Algorithms developed to predict the effect of missense changes on protein structure and function are either unavailable or do not agree on the potential impact of this missense change (SIFT: "Deleterious"; PolyPhen-2: "Probably Damaging"; Align-GVGD: "Class C0"). This variant has not been reported in the literature in individuals with NOTCH1-related conditions. This variant is not present in population databases (ExAC no frequency). This sequence change replaces glycine with valine at codon 1893 of the NOTCH1 protein (p.Gly1893Val). The glycine residue is highly conserved and there is a moderate physicochemical difference between glycine and valine.